The following is an entry in ClinVar:

NM_020812.4(DOCK6):c.2947G>T (p.Val983Phe)

Gene: DOCK6 (dedicator of cytokinesis 6; minus strand). Cytogenetic location: 19p13.2.
Variant type: single nucleotide variant.
Coding change: c.2947G>T on transcript NM_020812.4 (MANE Select); coding-DNA position 2947, G replaced by T.
Protein change: p.Val983Phe; replaces valine 983 with phenylalanine.
Molecular consequence: missense variant.
Genome position (GRCh38, 1-based): chr19:11,227,345, C>A on the plus strand (G>T on the coding strand, the complement: DOCK6 is on the minus strand). VCF-style: chr19-11227345-C-A. GRCh37 (hg19) VCF-style: chr19-11338021-C-A.
Other names: c.3052G>T, p.Val1018Phe (NM_001367830.1); short protein forms V983F, V1018F.
Identifiers: ClinVar variation 1977389 (VCV001977389.5), dbSNP rs760511457, ClinGen allele CA9207433.

ClinVar aggregate classification (germline): Uncertain significance (1 of 4 stars; one submission).

Allele frequency attached by ClinVar (database versions not stated): TOPMed below 0.00001; ExAC 0.00001; gnomAD 0.00001; gnomAD exomes 0.00001.
gnomAD v4.1: 22 of 1,613,730 alleles (0.0014%); highest among the groups gnomAD compares: Non-Finnish European, 0.0018%; no homozygotes.

Submission:

Labcorp Genetics (formerly Invitae), Labcorp
Classification: Uncertain significance. Last evaluated: 2022-08-22. Review status: criteria provided, single submitter. Criteria: Invitae Variant Classification Sherloc (09022015). Collection method: clinical testing. Allele origin: germline.
Comment: In summary, the available evidence is currently insufficient to determine the role of this variant in disease. Therefore, it has been classified as a Variant of Uncertain Significance. Algorithms developed to predict the effect of missense changes on protein structure and function (SIFT, PolyPhen-2, Align-GVGD) all suggest that this variant is likely to be tolerated. This variant has not been reported in the literature in individuals affected with DOCK6-related conditions. This variant is present in population databases (rs760511457, gnomAD 0.004%). This sequence change replaces valine, which is neutral and non-polar, with phenylalanine, which is neutral and non-polar, at codon 983 of the DOCK6 protein (p.Val983Phe).